The following is an entry in ClinVar:

ClinVar aggregate classification (germline): Likely benign. Review status: criteria provided, multiple submitters, no conflicts (2 of 4 stars). 3 submissions from 3 submitters: Likely benign (2). 1 of the submissions does not count toward it. Last evaluated 2025-05-12.

Conditions:
Bardet-Biedl syndrome (BBS). Identifiers: Orphanet 110, MedGen C0752166, MONDO:0015229.
TTC8-related disorder. Also called: TTC8-related condition.

Allele frequency attached by ClinVar (database versions not stated): gnomAD exomes 0.00001; ExAC 0.00002; gnomAD 0.00002.
gnomAD v4.1: 43 of 1,613,966 alleles (0.0027%); highest among the groups gnomAD compares: Non-Finnish European, 0.0031%; no homozygotes.

Submissions (3):

Labcorp Genetics (formerly Invitae), Labcorp
Classification: Likely benign for Bardet-Biedl syndrome. Last evaluated: 2025-05-12. Review status: criteria provided, single submitter. Criteria: Invitae Variant Classification Sherloc (09022015). Collection method: clinical testing. Allele origin: germline.

Blueprint Genetics
Classification: Likely benign. Last evaluated: 2018-10-16. Review status: criteria provided, single submitter. Criteria: ACMG Guidelines, 2015. Collection method: clinical testing. Allele origin: germline.

PreventionGenetics, part of Exact Sciences
Classification: Likely benign for TTC8-related condition. Last evaluated: 2022-12-15. Review status: no assertion criteria provided. Collection method: clinical testing. Allele origin: germline. Not counted in ClinVar's aggregate classification.
Comment: This variant is classified as likely benign based on ACMG/AMP sequence variant interpretation guidelines (Richards et al. 2015 PMID: 25741868, with internal and published modifications).

NM_144596.4(TTC8):c.432C>T (p.Thr144=)

Gene: TTC8 (tetratricopeptide repeat domain 8; plus strand). Cytogenetic location: 14q31.3.
Variant type: single nucleotide variant.
Coding change: c.432C>T on transcript NM_144596.4 (MANE Select); coding-DNA position 432, C replaced by T.
Protein change: p.Thr144=; no amino-acid change (threonine 144 retained).
Molecular consequence: synonymous variant. On other transcripts: 5 prime UTR variant (2), non-coding transcript variant (1).
Genome position (GRCh38, 1-based): chr14:88,841,139, C>T. VCF-style: chr14-88841139-C-T. GRCh37 (hg19) VCF-style: chr14-89307483-C-T.
Other names: c.402C>T, p.Thr134= (NM_001288781.1, NM_001366535.2, NM_001366536.2 and 2 more transcripts); c.-161C>T (NM_001288782.1); c.-256C>T (NM_001288783.1); c.432C>T (NM_144596.3).
Identifiers: ClinVar variation 1079193 (VCV001079193.11), dbSNP rs748561167, ClinGen allele CA7302466.